The following is an entry in ClinVar:

NM_014055.4(IFT81):c.216_217insTTTTTTTTTTTTTTTTTTTTNNNNNNNNNNCGGGCTTGGCCTGGCCGCGCCCCGCCCCCTCCCCGCCGAGCCGCCCGCCCATTGTCCCCCGCGGCCGCCCGAGCCTTCTTGGTATTCTT (p.Lys73fs)

Gene: IFT81 (intraflagellar transport 81; plus strand). Cytogenetic location: 12q24.11.
Variant type: Insertion.
Coding change: c.216_217insTTTTTTTTTTTTTTTTTTTTNNNNNNNNNNCGGGCTTGGCCTGGCCGCGCCCCGCCCCCTCCCCGCCGAGCCGCCCGCCCATTGTCCCCCGCGGCCGCCCGAGCCTTCTTGGTATTCTT on transcript NM_014055.4 (MANE Select); coding-DNA positions 216 to 217, TTTTTTTTTTTTTTTTTTTTNNNNNNNNNNCGGGCTTGGCCTGGCCGCGCCCCGCCCCCTCCCCGCCGAGCCGCCCGCCCATTGTCCCCCGCGGCCGCCCGAGCCTTCTTGGTATTCTT inserted.
Protein change: p.Lys73fs; shifts the reading frame from lysine 73.
Molecular consequence: frameshift variant. On other transcripts: 5 prime UTR variant (2), non-coding transcript variant (4).
Genome position: GRCh38: chr12:110,128,117-110,128,118. GRCh37 (hg19): chr12:110,565,922-110,565,923.
Other names: c.216_217insTTTTTTTTTTTTTTTTTTTTNNNNNNNNNNCGGGCTTGGCCTGGCCGCGCCCCGCCCCCTCCCCGCCGAGCCGCCCGCCCATTGTCCCCCGCGGCCGCCCGAGCCTTCTTGGTATTCTT, p.Lys73fs (NM_001143779.2, NM_001347946.2, NM_031473.4); c.-551_-550insTTTTTTTTTTTTTTTTTTTTNNNNNNNNNNCGGGCTTGGCCTGGCCGCGCCCCGCCCCCTCCCCGCCGAGCCGCCCGCCCATTGTCCCCCGCGGCCGCCCGAGCCTTCTTGGTATTCTT (NM_001347947.2, NM_001347948.2); short protein forms K73fs.
Identifiers: ClinVar variation 2842011 (VCV002842011.3), dbSNP rs2499778482.

ClinVar aggregate classification (germline): Pathogenic (1 of 4 stars; one submission).

Submission:

Labcorp Genetics (formerly Invitae), Labcorp
Classification: Pathogenic. Last evaluated: 2023-04-05. Review status: criteria provided, single submitter. Criteria: Invitae Variant Classification Sherloc (09022015). Collection method: clinical testing. Allele origin: germline.
Comment: This sequence change inserts a large fragment of DNA, likely a transposable element, in exon 3 of the IFT81 gene (c.216_217ins?), causing a frameshift at codon 72 (p.Leu72fs). The exact size and sequence of the insertion cannot be determined by the current assay. However, the insertion is expected to result in an absent or disrupted protein product. This variant is not present in population databases (gnomAD no frequency). This variant has not been reported in the literature in individuals affected with IFT81-related conditions. Algorithms developed to predict the effect of sequence changes on RNA splicing suggest that this variant may disrupt the consensus splice site. Retrotransposon insertions including LINE1 (L1), Alu, and SVA (SINE-VNTR-Alu) have been reported to be disease-causing through disruption of either a coding region or splice site (PMID: 19763152, 20307669, 22406018) and loss-of-function variants in IFT81 are known to be pathogenic (PMID: 26275418, 27666822). For these reasons, this variant has been classified as Pathogenic.

Literature cited by the submitters: PubMed 19763152; PubMed 20307669; PubMed 22406018; PubMed 26275418; PubMed 27666822.